The following is an entry in ClinVar:

ClinVar aggregate classification (germline): Uncertain significance. Review status: criteria provided, multiple submitters, no conflicts (2 of 4 stars). 2 submissions from 2 submitters: Uncertain significance (2). Last evaluated 2022-08-09.

Conditions:
Anemia, nonspherocytic hemolytic, due to G6PD deficiency (CNSHA1). Also called: Hemolytic anemia due to G6PD deficiency; Class I glucose-6-phosphate dehydrogenase deficiency; Favism, susceptibility to; ANEMIA, CONGENITAL, NONSPHEROCYTIC HEMOLYTIC, 1. Identifiers: Orphanet 466026, MedGen C2720289, MONDO:0010480, OMIM 300908.

Allele frequency attached by ClinVar (database versions not stated): gnomAD exomes 0.00004 and 0.00005; ExAC 0.00005; TOPMed 0.00005; ESP Exome Variant Server 0.00009; gnomAD 0.00016.
gnomAD v4.1: 68 of 1,211,205 alleles (0.0056%); highest among the groups gnomAD compares: Non-Finnish European, 0.0067%; no homozygotes.

Submissions (2):

Labcorp Genetics (formerly Invitae), Labcorp
Classification: Uncertain significance for Anemia, nonspherocytic hemolytic, due to G6PD deficiency. Last evaluated: 2022-08-09. Review status: criteria provided, single submitter. Criteria: Invitae Variant Classification Sherloc (09022015). Collection method: clinical testing. Allele origin: germline.
Comment: This sequence change replaces glutamine, which is neutral and polar, with histidine, which is basic and polar, at codon 384 of the G6PD protein (p.Gln384His). This variant is present in population databases (rs368832453, gnomAD 0.02%). This variant has not been reported in the literature in individuals affected with G6PD-related conditions. ClinVar contains an entry for this variant (Variation ID: 811071). Algorithms developed to predict the effect of missense changes on protein structure and function (SIFT, PolyPhen-2, Align-GVGD) all suggest that this variant is likely to be tolerated. Algorithms developed to predict the effect of sequence changes on RNA splicing suggest that this variant may disrupt the consensus splice site. In summary, the available evidence is currently insufficient to determine the role of this variant in disease. Therefore, it has been classified as a Variant of Uncertain Significance.

ARUP Laboratories, Molecular Genetics and Genomics, ARUP Laboratories
Classification: Uncertain significance. Last evaluated: 2018-07-27. Review status: criteria provided, single submitter. Criteria: ARUP Molecular Germline Variant Investigation Process. Collection method: clinical testing. Allele origin: germline.

NM_001360016.2(G6PD):c.1152G>C (p.Gln384His)

Gene: G6PD (glucose-6-phosphate dehydrogenase; minus strand). Cytogenetic location: Xq28.
Variant type: single nucleotide variant.
Coding change: c.1152G>C on transcript NM_001360016.2 (MANE Select); coding-DNA position 1152, G replaced by C.
Protein change: p.Gln384His; replaces glutamine 384 with histidine.
Molecular consequence: missense variant.
Genome position (GRCh38, 1-based): chrX:154,532,702, C>G on the plus strand (G>C on the coding strand, the complement: G6PD is on the minus strand). VCF-style: chrX-154532702-C-G. GRCh37 (hg19) VCF-style: chrX-153760917-C-G.
Other names: c.1242G>C, p.Gln414His (NM_000402.4); c.1152G>C, p.Gln384His (NM_001042351.3); short protein forms Q384H, Q414H.
Identifiers: ClinVar variation 811071 (VCV000811071.10), dbSNP rs368832453, ClinGen allele CA10566072.